The following is an entry in ClinVar:

NM_017799.4(TMEM260):c.90_104dup (p.Ala35_Val36insAlaValPheAlaAla)

Genes: TMEM260 (transmembrane protein 260; plus strand), LOC130055718 (ATAC-STARR-seq lymphoblastoid silent region 5790; plus strand). Cytogenetic location: 14q22.3.
Variant type: Duplication.
Coding change: c.90_104dup on transcript NM_017799.4 (MANE Select); coding-DNA positions 90 to 104, 15 bases duplicated (GGCGGTGTTCGCCGC).
Protein change: p.Ala35_Val36insAlaValPheAlaAla.
Molecular consequence: inframe insertion.
Genome position (GRCh38, 1-based): chr14:56,580,004-56,580,018, GGCGGTGTTCGCCGC duplicated. VCF-style (leftmost placement, unchanged base first): chr14-56580003-T-TGGCGGTGTTCGCCGC. GRCh37 (hg19) VCF-style: chr14-57046721-T-TGGCGGTGTTCGCCGC.
Identifiers: ClinVar variation 3382585 (VCV003382585.2).

ClinVar aggregate classification (germline): Likely pathogenic (1 of 4 stars; one submission).

Conditions:
Structural heart defects and renal anomalies syndrome (SHDRA). Identifiers: Orphanet 689822, MedGen C4479549, MONDO:0044321, OMIM 617478.

Submission:

Juno Genomics, Hangzhou Juno Genomics, Inc
Classification: Likely pathogenic for Structural heart defects and renal anomalies syndrome. Review status: criteria provided, single submitter. Criteria: ACMG Guidelines, 2015. Collection method: clinical testing. Allele origin: germline. Affected: yes.
Comment: Absent from controls (or at extremely low frequency if recessive) in Genome Aggregation Database, Exome Sequencing Project, 1000 Genomes Project, or Exome Aggregation Consortium.;Protein length changes due to in-frame deletions/insertions in a non-repeat region or stop-loss variants.;For recessive disorders, detected in trans with a pathogenic variant.;Patient's phenotype or family history is highly specific for a disease with a single genetic etiology.